The following is an entry in ClinVar:

ClinVar aggregate classification (germline): Likely pathogenic. Review status: reviewed by expert panel (3 of 4 stars). 15 submissions from 15 submitters: Likely pathogenic (1). 14 of the submissions do not count toward it. Last evaluated 2025-12-02.

Conditions:
Fanconi anemia, complementation group S (FANCS). Identifiers: MedGen C4554406, MONDO:0054748, OMIM 617883.
Hereditary cancer-predisposing syndrome. Also called: Hereditary Cancer Syndrome; Hereditary neoplastic syndrome; Neoplastic Syndromes, Hereditary; Tumor predisposition. Identifiers: Orphanet 140162, MedGen C0027672, MeSH D009386, MONDO:0015356.
Breast-ovarian cancer, familial, susceptibility to, 1 (BROVCA1). Also called: BRCA1 Hereditary Breast and Ovarian Cancer; OVARIAN CANCER, SUSCEPTIBILITY TO. Identifiers: Orphanet 145, MedGen C2676676, MONDO:0011450, OMIM 604370. Disease mechanism: loss of function.
BRCA1-related cancer predisposition. Identifiers: MedGen CN377757, MONDO:0700268.
Hereditary breast ovarian cancer syndrome. Also called: BRCA1- and BRCA2-Associated Hereditary Breast and Ovarian Cancer; Hereditary breast and ovarian cancer syndrome; Hereditary breast and ovarian cancer syndrome (HBOC); Breast and ovarian cancer; Hereditary breast and/or ovarian cancer syndrome; Hereditary breast and ovarian cancer. Identifiers: Orphanet 145, MedGen C0677776, MeSH D061325, MONDO:0003582. Disease mechanism: loss of function.

Allele frequency attached by ClinVar (database versions not stated): gnomAD exomes below 0.00001.

Submissions 1 to 7 of 16:

ClinGen ENIGMA BRCA1 and BRCA2 Variant Curation Expert Panel, ClinGen
Classification: Likely pathogenic for BRCA1-related cancer predisposition. Last evaluated: 2025-12-02. Review status: reviewed by expert panel. Criteria: CSpec BRCA12ACMG Rules Specifications V1.1. Collection method: curation. Allele origin: germline. Inheritance: Autosomal dominant inheritance.
Comment: The c.5138T>C variant in BRCA1 is a missense variant predicted to cause substitution of Valine by Alanine at amino acid 1713 (p.(Val1713Ala)). This variant is absent from gnomAD v4.1 (read depth ≥25) (PM2_Supporting met). Reported by four calibrated studies to exhibit protein function similar to pathogenic control variants (PMIDs:30209399, 30257991, 38709234, 35196514) (PS3 met). This BRCA1 missense variant is within a key functional domain and the computational predictor BayesDel (noAF) gives a score of 0.4, above the recommended threshold of 0.28 for prediction of impact on BRCA1 function via protein change. A SpliceAI score of 0.14 indicates an unclear predicted impact on splicing (score threshold 0.10-0.20) (PP3 met). In summary, this variant meets the criteria to be classified as a Likely pathogenic variant for BRCA1-related cancer predisposition based on the ACMG/AMP criteria applied as specified by the ENIGMA BRCA1/2 VCEP (PM2_Supporting, PS3, PP3).

Labcorp Genetics (formerly Invitae), Labcorp
Classification: Likely pathogenic for Hereditary breast ovarian cancer syndrome. Last evaluated: 2025-08-21. Review status: criteria provided, single submitter. Criteria: Invitae Variant Classification Sherloc (09022015). Collection method: clinical testing. Allele origin: germline. Not counted in ClinVar's aggregate classification.
Comment: This sequence change replaces valine, which is neutral and non-polar, with alanine, which is neutral and non-polar, at codon 1713 of the BRCA1 protein (p.Val1713Ala). This variant is not present in population databases (gnomAD no frequency). This missense change has been observed in individual(s) with breast and/or ovarian cancer (PMID: 7611277, 25556971; internal data). It has also been observed to segregate with disease in related individuals. ClinVar contains an entry for this variant (Variation ID: 55412). Invitae Evidence Modeling incorporating data from in vitro experimental studies (PMID: 30209399) indicates that this missense variant is expected to disrupt BRCA1 function with a positive predictive value of 95%. Experimental studies have shown that this missense change affects BRCA1 function (PMID: 17305420, 17308087, 20516115, 21447777, 30209399). In summary, the currently available evidence indicates that the variant is pathogenic, but additional data are needed to prove that conclusively. Therefore, this variant has been classified as Likely Pathogenic.

Myriad Genetics, Inc.
Classification: Likely pathogenic for Breast-ovarian cancer, familial, susceptibility to, 1. Last evaluated: 2025-04-29. Review status: criteria provided, single submitter. Criteria: Myriad Autosomal Dominant, Autosomal Recessive and X-Linked Classification Criteria (2023). Collection method: clinical testing. Allele origin: unknown. Not counted in ClinVar's aggregate classification.
Comment: This variant is considered likely pathogenic. Functional studies indicate this variant impacts protein function [PMID: 20516115, 17308087, 30209399].

ARUP Laboratories, Molecular Genetics and Genomics, ARUP Laboratories
Classification: Likely pathogenic. Last evaluated: 2025-04-24. Review status: criteria provided, single submitter. Criteria: ARUP Molecular Germline Variant Investigation Process 2024. Collection method: clinical testing. Allele origin: germline. Not counted in ClinVar's aggregate classification.
Comment: The BRCA1 c.5138T>C; p.Val1713Ala variant (rs80357132, ClinVar Variation ID: 55412) is described in the literature in a proband with breast and ovarian cancer, as well as a strong family history of breast and ovarian cancer (Struewing 1995). This variant is only observed on one allele in the Genome Aggregation Database (v2.1.1), indicating it is not a common polymorphism. Functional analyses suggest the variant causes altered substrate binding and specificity as well as altered transcriptional activity and impairs homologous repair (Carvalho 2007, Findlay 2018, Lee 2010, Petitalot 2019). In agreement with functional data, computational analyses predict that this variant is deleterious (BayesDel no-AF: 0.404041). Based on available information, this variant is considered to be likely pathogenic. References: Carvalho MA et al. Determination of cancer risk associated with germ line BRCA1 missense variants by functional analysis. Cancer Res. 2007 Feb 15;67(4):1494-501. PMID: 17308087. Findlay GM et al. Accurate classification of BRCA1 variants with saturation genome editing. Nature. 2018 Oct;562(7726):217-222. PMID: 30209399. Lee MS et al. Comprehensive analysis of missense variations in the BRCT domain of BRCA1 by structural and functional assays. Cancer Res. 2010 Jun 15;70(12):4880-90. PMID: 20516115. Petitalot A et al. Combining Homologous Recombination and Phosphopeptide-binding Data to Predict the Impact of BRCA1 BRCT Variants on Cancer Risk. Mol Cancer Res. 2019 Jan;17(1):54-69. PMID: 30257991. Struewing JP et al. Detection of eight BRCA1 mutations in 10 breast/ovarian cancer families, including 1 family with male breast cancer. Am J Hum Genet. 1995 Jul;57(1):1-7. PMID: 7611277.

Center for Genomic Medicine, Rigshospitalet, Copenhagen University Hospital
Classification: Likely pathogenic. Last evaluated: 2025-03-04. Review status: criteria provided, single submitter. Criteria: ACMG Guidelines, 2015. Collection method: clinical testing. Allele origin: germline. Not counted in ClinVar's aggregate classification.

GeneDx
Classification: Likely pathogenic. Last evaluated: 2024-01-04. Review status: criteria provided, single submitter. Criteria: GeneDx Variant Classification Process June 2021. Collection method: clinical testing. Allele origin: germline. Affected: yes. Not counted in ClinVar's aggregate classification.
Comment: Published functional studies demonstrate a damaging effect: classified as non-functional based on transcriptional activity, binding activity and specificity, and cell survival (PMID: 17308087, 20516115, 30209399, 30765603, 35665744); Not observed at significant frequency in large population cohorts (gnomAD); In silico analysis supports that this missense variant has a deleterious effect on protein structure/function; Observed in individual(s) with breast and ovarian cancer (PMID: 9159158); Also known as 5257T>C; This variant is associated with the following publications: (PMID: 21447777, 20516115, 17305420, 7611277, 17308087, 28781887, 25556971, 30209399, 30765603, 30257991, 35665744, 14534301, 18992264, 25652403, 25348405, 9159158, 16267036)

Women's Health and Genetics/Laboratory Corporation of America, LabCorp
Classification: Likely pathogenic for Hereditary breast ovarian cancer syndrome. Last evaluated: 2023-08-29. Review status: criteria provided, single submitter. Criteria: LabCorp Variant Classification Summary - May 2015. Collection method: clinical testing. Allele origin: germline. Not counted in ClinVar's aggregate classification.
Comment: Variant summary: BRCA1 c.5138T>C (p.Val1713Ala) results in a non-conservative amino acid change located in the BRCT domain (IPR001357) of the encoded protein sequence. Four of five in-silico tools predict a damaging effect of the variant on protein function. The variant allele was found at a frequency of 4e-06 in 251322 control chromosomes. c.5138T>C has been reported in the literature in individuals from large families affected with Hereditary Breast and Ovarian Cancer, however without evidence of co-segregation to support causality (e.g. Struewing_1995, Humphrey_1997, Trujillano_2015). These reports do not provide unequivocal conclusions about association of the variant with Hereditary Breast And Ovarian Cancer Syndrome. Multiple publications report experimental evidence evaluating an impact on protein function. For example, the variant has been reproducibly reported to reduce BRCA1 transactivation activity (Carvalho_2007, Lee_2010, Woods_2016) and phosphopeptide binding /specificity (Lee_2010). This variant has been cited as a "hypomorphic variant" in the literature (Woods_2016). The following publications have been ascertained in the context of this evaluation (PMID: 16267036, 20516115, 14534301, 9159158, 17308087, 7611277, 18992264, 24845084, 25556971, 21309043, 28781887, 30765603, 21447777). Ten submitters have cited clinical-significance assessments for this variant to ClinVar after 2014 (Likely pathogenic, n= 7; VUS, n=3). Based on the evidence outlined above, the variant was classified as likely pathogenic.

NM_007294.4(BRCA1):c.5138T>C (p.Val1713Ala)

Gene: BRCA1 (BRCA1 DNA repair associated; minus strand). Cytogenetic location: 17q21.31.
Variant type: single nucleotide variant.
Coding change: c.5138T>C on transcript NM_007294.4 (MANE Select); coding-DNA position 5138, T replaced by C.
Protein change: p.Val1713Ala; replaces valine 1713 with alanine.
Molecular consequence: missense variant. On other transcripts: non-coding transcript variant (1).
Genome position (GRCh38, 1-based): chr17:43,063,888, A>G on the plus strand (T>C on the coding strand, the complement: BRCA1 is on the minus strand). VCF-style: chr17-43063888-A-G. GRCh37 (hg19) VCF-style: chr17-41215905-A-G.
Other names: NM_007294.4(BRCA1):c.5138T>C; p.Val1713Ala; c.4802T>C, p.Val1601Ala (NM_001407954.1, NM_001407955.1, NM_001407950.1 and 3 more transcripts); c.4250T>C, p.Val1417Ala (NM_001407966.1); c.4247T>C, p.Val1416Ala (NM_001407967.1); c.2534T>C, p.Val845Ala (NM_001407968.1); c.2531T>C, p.Val844Ala (NM_001407969.1); c.1895T>C, p.Val632Ala (NM_001407970.1, NM_001407971.1); and 73 more; short protein forms V1713A, V609A, V1734A, V1666A, V1584A, V1586A, V1665A, V1671A.
Identifiers: ClinVar variation 55412 (VCV000055412.42), dbSNP rs80357132, ClinGen allele CA003262.